The following is an entry in ClinVar:

NM_201548.5(CERKL):c.678-1G>C

Gene: CERKL (CERK like autophagy regulator; minus strand). Cytogenetic location: 2q31.3.
Variant type: single nucleotide variant.
Coding change: c.678-1G>C on transcript NM_201548.5 (MANE Select); the canonical splice acceptor site of the intron before coding-DNA position 678, G replaced by C.
Molecular consequence: splice acceptor variant. On other transcripts: intron variant (2).
Genome position (GRCh38, 1-based): chr2:181,558,709, C>G on the plus strand (G>C on the coding strand, the complement: CERKL is on the minus strand). VCF-style: chr2-181558709-C-G. GRCh37 (hg19) VCF-style: chr2-182423436-C-G.
Other names: c.482-9001G>C (NM_001030312.3); c.624-1G>C (NM_001160277.2); c.614-9001G>C (NM_001030313.3); c.756-1G>C (NM_001030311.3).
Identifiers: ClinVar variation 2071035 (VCV002071035.6), dbSNP rs1209393896, ClinGen allele CA349741158.

ClinVar aggregate classification (germline): Pathogenic (1 of 4 stars; one submission).

Submission:

Labcorp Genetics (formerly Invitae), Labcorp
Classification: Pathogenic. Last evaluated: 2022-01-02. Review status: criteria provided, single submitter. Criteria: Invitae Variant Classification Sherloc (09022015). Collection method: clinical testing. Allele origin: germline.
Comment: For these reasons, this variant has been classified as Pathogenic. Algorithms developed to predict the effect of sequence changes on RNA splicing suggest that this variant may disrupt the consensus splice site. Disruption of this splice site has been observed in individual(s) with retinitis pigmentosa (Invitae). In at least one individual the data is consistent with being in trans (on the opposite chromosome) from a pathogenic variant. This variant is not present in population databases (gnomAD no frequency). This sequence change affects an acceptor splice site in intron 5 of the CERKL gene. It is expected to disrupt RNA splicing. Variants that disrupt the donor or acceptor splice site typically lead to a loss of protein function (PMID: 16199547), and loss-of-function variants in CERKL are known to be pathogenic (PMID: 14681825, 23591405, 24043777).

Literature cited by the submitters: PubMed 16199547; PubMed 14681825; PubMed 23591405; PubMed 24043777.